The following is an entry in ClinVar:

NM_004655.4(AXIN2):c.2104C>T (p.Arg702Cys)

Gene: AXIN2 (axin 2; minus strand). Cytogenetic location: 17q24.1.
Variant type: single nucleotide variant.
Coding change: c.2104C>T on transcript NM_004655.4 (MANE Select); coding-DNA position 2104, C replaced by T.
Protein change: p.Arg702Cys; replaces arginine 702 with cysteine.
Molecular consequence: missense variant.
Genome position (GRCh38, 1-based): chr17:65,536,357, G>A on the plus strand (C>T on the coding strand, the complement: AXIN2 is on the minus strand). VCF-style: chr17-65536357-G-A. GRCh37 (hg19) VCF-style: chr17-63532475-G-A.
Other names: c.1909C>T, p.Arg637Cys (NM_001363813.1); short protein forms R702C, R637C.
Identifiers: ClinVar variation 938759 (VCV000938759.11), dbSNP rs1244431726, ClinGen allele CA400675977.

ClinVar aggregate classification (germline): Uncertain significance. Review status: criteria provided, multiple submitters, no conflicts (2 of 4 stars). 3 submissions from 3 submitters: Uncertain significance (3). Last evaluated 2026-09-02.

Conditions:
Oligodontia-cancer predisposition syndrome. Also called: TOOTH AGENESIS-COLORECTAL CANCER SYNDROME. Identifiers: Orphanet 300576, MedGen C1837750, MONDO:0012075, OMIM 608615. Disease mechanism: loss of function.
Hereditary cancer-predisposing syndrome. Also called: Neoplastic Syndromes, Hereditary; Hereditary Cancer Syndrome; Tumor predisposition; Hereditary neoplastic syndrome. Identifiers: Orphanet 140162, MedGen C0027672, MeSH D009386, MONDO:0015356.
AXIN2-related disorder.

Allele frequency attached by ClinVar (database versions not stated): gnomAD exomes below 0.00001 and 0.00001; gnomAD 0.00001.
gnomAD v4.1: 10 of 1,613,292 alleles (0.00062%); highest among the groups gnomAD compares: South Asian, 0.0022%; no homozygotes.

Submissions (3):

PreventionGenetics, part of Exact Sciences
Classification: Uncertain significance for AXIN2-related condition. Last evaluated: 2026-09-02. Review status: criteria provided, single submitter. Criteria: ACMG Guidelines, 2015. Collection method: clinical testing. Allele origin: germline.
Comment: The AXIN2 c.2104C>T variant is predicted to result in the amino acid substitution p.Arg702Cys. To our knowledge, this variant has not been reported in the literature. This variant is reported in 0.010% of alleles in individuals of Ashkenazi Jewish descent in gnomAD. At this time, the clinical significance of this variant is uncertain due to the absence of conclusive functional and genetic evidence.

Labcorp Genetics (formerly Invitae), Labcorp
Classification: Uncertain significance for Oligodontia-cancer predisposition syndrome. Last evaluated: 2025-12-17. Review status: criteria provided, single submitter. Criteria: Invitae Variant Classification Sherloc (09022015). Collection method: clinical testing. Allele origin: germline.
Comment: This sequence change replaces arginine, which is basic and polar, with cysteine, which is neutral and slightly polar, at codon 702 of the AXIN2 protein (p.Arg702Cys). The frequency data for this variant in the population databases is considered unreliable, as metrics indicate poor data quality at this position in the gnomAD database. This variant has not been reported in the literature in individuals affected with AXIN2-related conditions. ClinVar contains an entry for this variant (Variation ID: 938759). Invitae Evidence Modeling of protein sequence and biophysical properties (such as structural, functional, and spatial information, amino acid conservation, physicochemical variation, residue mobility, and thermodynamic stability) indicates that this missense variant is expected to disrupt AXIN2 protein function with a positive predictive value of 80%. In summary, the available evidence is currently insufficient to determine the role of this variant in disease. Therefore, it has been classified as a Variant of Uncertain Significance.

Ambry Genetics
Classification: Uncertain significance for Hereditary cancer-predisposing syndrome. Last evaluated: 2023-11-01. Review status: criteria provided, single submitter. Criteria: Ambry Variant Classification Scheme 2023. Collection method: clinical testing. Allele origin: germline.
Comment: The p.R702C variant (also known as c.2104C>T), located in coding exon 7 of the AXIN2 gene, results from a C to T substitution at nucleotide position 2104. The arginine at codon 702 is replaced by cysteine, an amino acid with highly dissimilar properties. This amino acid position is conserved. In addition, this alteration is predicted to be deleterious by in silico analysis. Since supporting evidence is limited at this time, the clinical significance of this alteration remains unclear.